The following is an entry in ClinVar:

ClinVar aggregate classification (germline): Uncertain significance (1 of 4 stars; one submission).

Conditions:
Encephalopathy, acute, infection-induced (herpes-specific), susceptibility to, 1. Also called: Herpes simplex encephalitis, susceptibility to, 1. Identifiers: Orphanet 1930, MedGen C2750180, MONDO:0024563, OMIM 610551.

Submission:

Labcorp Genetics (formerly Invitae), Labcorp
Classification: Uncertain significance for Encephalopathy, acute, infection-induced (herpes-specific), susceptibility to, 1. Last evaluated: 2023-12-19. Review status: criteria provided, single submitter. Criteria: Invitae Variant Classification Sherloc (09022015). Collection method: clinical testing. Allele origin: germline.
Comment: This sequence change replaces glutamic acid, which is acidic and polar, with aspartic acid, which is acidic and polar, at codon 746 of the TLR3 protein (p.Glu746Asp). This variant is not present in population databases (gnomAD no frequency). This variant has not been reported in the literature in individuals affected with TLR3-related conditions. An algorithm developed to predict the effect of missense changes on protein structure and function (PolyPhen-2) suggests that this variant is likely to be tolerated. In summary, the available evidence is currently insufficient to determine the role of this variant in disease. Therefore, it has been classified as a Variant of Uncertain Significance.

NM_003265.3(TLR3):c.2238A>C (p.Glu746Asp)

Gene: TLR3 (toll like receptor 3; plus strand). Cytogenetic location: 4q35.1.
Variant type: single nucleotide variant.
Coding change: c.2238A>C on transcript NM_003265.3 (MANE Select); coding-DNA position 2238, A replaced by C.
Protein change: p.Glu746Asp; replaces glutamic acid 746 with aspartic acid.
Molecular consequence: missense variant.
Genome position (GRCh38, 1-based): chr4:186,083,924, A>C. VCF-style: chr4-186083924-A-C. GRCh37 (hg19) VCF-style: chr4-187005078-A-C.
Other names: short protein forms E746D.
Identifiers: ClinVar variation 2704324 (VCV002704324.3), dbSNP rs2478229267, ClinGen allele CA358935820.